The following is an entry in ClinVar:

ClinVar aggregate classification (germline): Likely pathogenic (1 of 4 stars; one submission).

Conditions:
Polycystic kidney disease 4 (PKD4). Also called: PKD3; POLYCYSTIC KIDNEY AND HEPATIC DISEASE 1; POLYCYSTIC KIDNEY DISEASE, INFANTILE, TYPE I; POLYCYSTIC KIDNEY DISEASE 4 WITH OR WITHOUT POLYCYSTIC LIVER DISEASE; Autosomal Recessive Polycystic Kidney Disease – PKHD1. Identifiers: MedGen C4540575, MONDO:0033004, OMIM 263200.

Submission:

Centre for Mendelian Genomics, University Medical Centre Ljubljana
Classification: Likely pathogenic for Polycystic kidney disease 4. Last evaluated: 2020-01-27. Review status: criteria provided, single submitter. Criteria: ACMG Guidelines, 2015. Collection method: clinical testing. Allele origin: unknown. Affected: yes.
Comment: This variant was classified as: Likely pathogenic. The following ACMG criteria were applied in classifying this variant: PV1,PM2.

NM_138694.4(PKHD1):c.8020_8021del (p.Leu2674fs)

Gene: PKHD1 (PKHD1 ciliary IPT domain containing fibrocystin/polyductin; minus strand). Cytogenetic location: 6p12.2.
Variant type: Deletion.
Coding change: c.8020_8021del on transcript NM_138694.4 (MANE Select); coding-DNA positions 8020 to 8021, 2 bases deleted (CT; older notation c.8020_8021delCT).
Protein change: p.Leu2674fs; shifts the reading frame from leucine 2674.
Molecular consequence: frameshift variant.
Genome position (GRCh38, 1-based): chr6:51,847,861-51,847,862, AG deleted on the plus strand (CT on the coding strand, the reverse complement: PKHD1 is on the minus strand); deleting any 2 consecutive bases within chr6:51,847,861-51,847,863 gives the same sequence; the c. name uses the placement nearest the transcript's 3' end. VCF-style (leftmost placement, unchanged base first): chr6-51847860-CAG-C. GRCh37 (hg19) VCF-style: chr6-51712658-CAG-C.
Other names: c.8020_8021del, p.Leu2674fs (NM_170724.3); short protein forms L2674fs.
Identifiers: ClinVar variation 930285 (VCV000930285.3), dbSNP rs1771488619, ClinGen allele CA1139659591.